The following is an entry in ClinVar:

ClinVar aggregate classification (germline): Uncertain significance (1 of 4 stars; one submission).

gnomAD v4.1: 9 of 1,614,034 alleles (0.00056%); highest among the groups gnomAD compares: South Asian, 0.0011%; no homozygotes.

Submission:

GeneDx
Classification: Uncertain significance. Last evaluated: 2023-07-01. Review status: criteria provided, single submitter. Criteria: GeneDx Variant Classification Process June 2021. Collection method: clinical testing. Allele origin: germline. Affected: yes.
Comment: Has not been previously published as pathogenic or benign to our knowledge; Not observed at significant frequency in large population cohorts (gnomAD); In silico analysis supports that this missense variant has a deleterious effect on protein structure/function

NM_021035.3(ZNFX1):c.2975G>A (p.Arg992His)

Gene: ZNFX1 (zinc finger NFX1-type containing 1; minus strand). Cytogenetic location: 20q13.13.
Variant type: single nucleotide variant.
Coding change: c.2975G>A on transcript NM_021035.3 (MANE Select); coding-DNA position 2975, G replaced by A.
Protein change: p.Arg992His; replaces arginine 992 with histidine.
Molecular consequence: missense variant.
Genome position (GRCh38, 1-based): chr20:49,253,796, C>T on the plus strand (G>A on the coding strand, the complement: ZNFX1 is on the minus strand). VCF-style: chr20-49253796-C-T. GRCh37 (hg19) VCF-style: chr20-47870333-C-T.
Other names: short protein forms R992H.
Identifiers: ClinVar variation 3360636 (VCV003360636.1).
Genomic context (GRCh38, chr20:49,253,796, plus strand): 5'-AGGACTTCCGCAGCTTCTTCCACTATGACAATCCTCGGCTCCACCTTCTGTAGGATCTGG[C>T]GGTATTTGGCAGCACCTCAAGTGAGGAAAGAAGAGAAAGGCTCCTCTGAGCTGAGGCACA-3'
Protein context (NP_066363.1, residues 982-1002): GMTTTGAAKY[Arg992His]QILQKVEPRI